The following is an entry in ClinVar:

NM_004958.4(MTOR):c.1111G>C (p.Asp371His)

Gene: MTOR (mechanistic target of rapamycin kinase; minus strand). Cytogenetic location: 1p36.22.
Variant type: single nucleotide variant.
Coding change: c.1111G>C on transcript NM_004958.4 (MANE Select); coding-DNA position 1111, G replaced by C.
Protein change: p.Asp371His; replaces aspartic acid 371 with histidine.
Molecular consequence: missense variant. On other transcripts: 5 prime UTR variant (1).
Genome position (GRCh38, 1-based): chr1:11,247,824, C>G on the plus strand (G>C on the coding strand, the complement: MTOR is on the minus strand). VCF-style: chr1-11247824-C-G. GRCh37 (hg19) VCF-style: chr1-11307881-C-G.
Other names: c.1111G>C, p.Asp371His (NM_001386500.1); c.-29G>C (NM_001386501.1); short protein forms D371H.
Identifiers: ClinVar variation 2088150 (VCV002088150.4), dbSNP rs2523387278, ClinGen allele CA338399379.
Genomic context (GRCh38, chr1:11,247,824, plus strand): 5'-GGAAAAGTGAGGTGTGGAGCTTAGGAAAAGAGGGAAAGGGCCTCTCACCACTTACCTGAT[C>G]AAATTTCTCCTCCATCAAGTCTCTGCAACACCGGCTCTCCACCAGGGTGGACTTAGCTGG-3'
Protein context (NP_004949.1, residues 361-381): CCRDLMEEKF[Asp371His]QVCQWVLKCR

ClinVar aggregate classification (germline): Uncertain significance (1 of 4 stars; one submission).

gnomAD v4.1: 1 of 1,612,706 alleles (0.000062%); highest among the groups gnomAD compares: African/African-American, 0.0013%; no homozygotes.

Submission:

Labcorp Genetics (formerly Invitae), Labcorp
Classification: Uncertain significance. Last evaluated: 2024-09-28. Review status: criteria provided, single submitter. Criteria: Invitae Variant Classification Sherloc (09022015). Collection method: clinical testing. Allele origin: germline.
Comment: This sequence change replaces aspartic acid, which is acidic and polar, with histidine, which is basic and polar, at codon 371 of the MTOR protein (p.Asp371His). This variant is not present in population databases (gnomAD no frequency). This variant has not been reported in the literature in individuals affected with MTOR-related conditions. ClinVar contains an entry for this variant (Variation ID: 2088150). Invitae Evidence Modeling of protein sequence and biophysical properties (such as structural, functional, and spatial information, amino acid conservation, physicochemical variation, residue mobility, and thermodynamic stability) indicates that this missense variant is not expected to disrupt MTOR protein function with a negative predictive value of 95%. In summary, the available evidence is currently insufficient to determine the role of this variant in disease. Therefore, it has been classified as a Variant of Uncertain Significance.